The following is an entry in ClinVar:

ClinVar aggregate classification (germline): Uncertain significance (1 of 4 stars; one submission).

Submission:

Labcorp Genetics (formerly Invitae), Labcorp
Classification: Uncertain significance. Last evaluated: 2024-09-27. Review status: criteria provided, single submitter. Criteria: Invitae Variant Classification Sherloc (09022015). Collection method: clinical testing. Allele origin: germline.
Comment: This sequence change results in a frameshift in the HAND2 gene (p.Pro95Alafs*248). While this is not anticipated to result in nonsense mediated decay, it is expected to disrupt the last 123 amino acid(s) of the HAND2 protein and extend the protein by 124 additional amino acid residues. The frequency data for this variant in the population databases is considered unreliable, as metrics indicate poor data quality at this position in the gnomAD database. This variant has not been reported in the literature in individuals affected with HAND2-related conditions. Experimental studies and prediction algorithms are not available or were not evaluated, and the functional significance of this variant is currently unknown. In summary, the available evidence is currently insufficient to determine the role of this variant in disease. Therefore, it has been classified as a Variant of Uncertain Significance.

NM_021973.3(HAND2):c.282dup (p.Pro95fs)

Genes: HAND2 (heart and neural crest derivatives expressed 2; minus strand), HAND2-AS1 (HAND2 antisense RNA 1; plus strand). Cytogenetic location: 4q34.1.
Variant type: Duplication.
Coding change: c.282dup on transcript NM_021973.3 (MANE Select); coding-DNA position 282, one base duplicated (G; older notation c.282dupG).
Protein change: p.Pro95fs; shifts the reading frame from proline 95.
Molecular consequence: frameshift variant.
Genome position (GRCh38, 1-based): chr4:173,529,008, C duplicated on the plus strand (G on the coding strand, the reverse complement: HAND2 is on the minus strand); the first of 7 consecutive C bases (chr4:173,529,008-173,529,014); duplicating any one gives the same sequence. VCF-style (leftmost placement, unchanged base first): chr4-173529007-G-GC. GRCh37 (hg19) VCF-style: chr4-174450158-G-GC.
Other names: short protein forms P95fs.
Identifiers: ClinVar variation 3691182 (VCV003691182.2).